The following is an entry in ClinVar:

ClinVar aggregate classification (germline): Pathogenic (1 of 4 stars; one submission).

Conditions:
Neuronal ceroid lipofuscinosis. Also called: Neuronal Ceroid Lipofuscinoses. Identifiers: Orphanet 216, Orphanet 79263, MedGen C0027877, MONDO:0016295. Disease mechanism: loss of function.

Submission:

Labcorp Genetics (formerly Invitae), Labcorp
Classification: Pathogenic for Neuronal ceroid lipofuscinosis. Last evaluated: 2021-11-13. Review status: criteria provided, single submitter. Criteria: Invitae Variant Classification Sherloc (09022015). Collection method: clinical testing. Allele origin: germline.
Comment: This variant is a gross deletion of the genomic region encompassing exon(s) 11-14 of the CLN3 gene. This deletion is out-of-frame, and is expected to create a premature termination codon and result in an absent or disrupted protein product. Loss-of-function variants in CLN3 are known to be pathogenic (PMID: 9311735, 28542676). This variant has not been reported in the literature in individuals affected with CLN3-related conditions. For these reasons, this variant has been classified as Pathogenic.

Literature cited by the submitters: PubMed 9311735; PubMed 28542676.

NC_000016.9:g.(?_28493416)_(28494003_?)del

Gene: CLN3 (CLN3 lysosomal/endosomal transmembrane protein, battenin; minus strand). Cytogenetic location: 16p11.2.
Variant type: Deletion.
Identifiers: ClinVar variation 2423571 (VCV002423571.3).